The following is an entry in ClinVar:

NM_001648.2(KLK3):c.47-9C>G

Gene: KLK3 (kallikrein related peptidase 3; plus strand). Cytogenetic location: 19q13.33.
Variant type: single nucleotide variant.
Coding change: c.47-9C>G on transcript NM_001648.2 (MANE Select); 9 bases into the intron before coding-DNA position 47, C replaced by G.
Molecular consequence: intron variant.
Genome position (GRCh38, 1-based): chr19:50,856,231, C>G. VCF-style: chr19-50856231-C-G. GRCh37 (hg19) VCF-style: chr19-51359487-C-G.
Other names: c.47-9C>G (NM_001030047.1, NM_001030048.1).
Identifiers: ClinVar variation 3035909 (VCV003035909.2), dbSNP rs368709777, ClinGen allele CA9604295.
Genomic context (GRCh38, chr19:50,856,231, plus strand): 5'-ATCTCCTATCCGAGTCCCCCAGTTCCTCCTGTCAACCCTGATTCCCCTGATCTAGCACCC[C>G]CTCTGCAGGTGCTGCACCCCTCATCCTGTCTCGGATTGTGGGAGGCTGGGAGTGCGAGAA-3'

ClinVar aggregate classification (germline): Likely benign (0 of 4 stars; one submission).

Conditions:
KLK3-related disorder. Also called: KLK3-related condition.

Allele frequency attached by ClinVar (database versions not stated): ExAC 0.00001; gnomAD 0.00001; TOPMed 0.00001.
gnomAD v4.1: 10 of 1,609,908 alleles (0.00062%); highest among the groups gnomAD compares: East Asian, 0.0045%; no homozygotes.

Submission:

PreventionGenetics, part of Exact Sciences
Classification: Likely benign for KLK3-related condition. Last evaluated: 2019-08-01. Review status: no assertion criteria provided. Collection method: clinical testing. Allele origin: germline.
Comment: This variant is classified as likely benign based on ACMG/AMP sequence variant interpretation guidelines (Richards et al. 2015 PMID: 25741868, with internal and published modifications).